The following is an entry in ClinVar:

ClinVar aggregate classification (germline): Pathogenic (0 of 4 stars; one submission).

Conditions:
ARID1A-related disorder. Also called: ARID1A-related condition.

Submission:

PreventionGenetics, part of Exact Sciences
Classification: Pathogenic for ARID1A-related condition. Last evaluated: 2023-12-20. Review status: no assertion criteria provided. Collection method: clinical testing. Allele origin: germline.
Comment: The ARID1A c.5624dupC variant is predicted to result in a frameshift and premature protein termination (p.Pro1876Thrfs*25). To our knowledge, this variant has not been reported in the literature or in a large population database, indicating this variant is rare. Frameshift variants in ARID1A are expected to be pathogenic. This variant is interpreted as pathogenic.

NM_006015.6(ARID1A):c.5624dup (p.Pro1876fs)

Gene: ARID1A (AT-rich interaction domain 1A; plus strand). Cytogenetic location: 1p36.11.
Variant type: Duplication.
Coding change: c.5624dup on transcript NM_006015.6 (MANE Select); coding-DNA position 5624, one base duplicated (C; older notation c.5624dupC).
Protein change: p.Pro1876fs; shifts the reading frame from proline 1876.
Molecular consequence: frameshift variant.
Genome position (GRCh38, 1-based): chr1:26,779,522, C duplicated; the last of 3 consecutive C bases (chr1:26,779,520-26,779,522); duplicating any one gives the same sequence. VCF-style (leftmost placement, unchanged base first): chr1-26779519-G-GC. GRCh37 (hg19) VCF-style: chr1-27106010-G-GC.
Other names: c.4973dup, p.Pro1659fs (NM_139135.4); c.5624dupC (NM_006015.4); short protein forms P1659fs, P1876fs.
Identifiers: ClinVar variation 3030106 (VCV003030106.2), dbSNP rs2522041276, ClinGen allele CA2740090631.